The following is an entry in ClinVar:

NM_006015.6(ARID1A):c.5245A>C (p.Arg1749=)

Gene: ARID1A (AT-rich interaction domain 1A; plus strand). Cytogenetic location: 1p36.11.
Variant type: single nucleotide variant.
Coding change: c.5245A>C on transcript NM_006015.6 (MANE Select); coding-DNA position 5245, A replaced by C.
Protein change: p.Arg1749=; no amino-acid change (arginine 1749 retained).
Molecular consequence: synonymous variant.
Genome position (GRCh38, 1-based): chr1:26,779,143, A>C. VCF-style: chr1-26779143-A-C. GRCh37 (hg19) VCF-style: chr1-27105634-A-C.
Other names: c.4594A>C, p.Arg1532= (NM_139135.4).
Identifiers: ClinVar variation 1704020 (VCV001704020.2), dbSNP rs2081165115, ClinGen allele CA416967990.
Genomic context (GRCh38, chr1:26,779,143, plus strand): 5'-GGCATTTTAAAGGAGTATGAGGTGGGTGACCCAGGACAGAGAACGCTACTGGATCCTGGG[A>C]GGTTCAGCAAGGTGTCTAGTCCAGCTCCCATGGAGGGTGGGGAAGAAGAAGAAGAACTTC-3'
Protein context (NP_006006.3, residues 1739-1759): PGQRTLLDPG[Arg1749=]FSKVSSPAPM

ClinVar aggregate classification (germline): Uncertain significance (1 of 4 stars; one submission).

Allele frequency attached by ClinVar (database versions not stated): gnomAD exomes below 0.00001; gnomAD 0.00001.
gnomAD v4.1: 2 of 1,589,502 alleles (0.00013%); highest among the groups gnomAD compares: African/African-American, 0.0027%; no homozygotes.

Submission:

GeneDx
Classification: Uncertain significance. Last evaluated: 2022-03-01. Review status: criteria provided, single submitter. Criteria: GeneDx Variant Classification Process June 2021. Collection method: clinical testing. Allele origin: germline. Affected: yes.
Comment: Not observed at significant frequency in large population cohorts (gnomAD); In silico analysis supports that this variant does not alter splicing; Has not been previously published as pathogenic or benign to our knowledge